The following is an entry in ClinVar:

NM_144573.4(NEXN):c.1996A>G (p.Thr666Ala)

Gene: NEXN (nexilin F-actin binding protein; plus strand). Cytogenetic location: 1p31.1.
Variant type: single nucleotide variant.
Coding change: c.1996A>G on transcript NM_144573.4 (MANE Select); coding-DNA position 1996, A replaced by G.
Protein change: p.Thr666Ala; replaces threonine 666 with alanine.
Molecular consequence: missense variant.
Genome position (GRCh38, 1-based): chr1:77,942,797, A>G. VCF-style: chr1-77942797-A-G. GRCh37 (hg19) VCF-style: chr1-78408482-A-G.
Other names: c.1804A>G, p.Thr602Ala (NM_001172309.2); short protein forms T666A, T602A.
Identifiers: ClinVar variation 47900 (VCV000047900.23), dbSNP rs374000722, ClinGen allele CA142145.
Genomic context (GRCh38, chr1:77,942,797, plus strand): 5'-CCAGAAGATGGAGGAGAGTATATGTGTAAAGCAGTCAACAATAAAGGATCTGCAGCTAGT[A>G]CCTGTATTCTTACCATTGAAAGTAAGAATTAATCACTCTTTTTATCTTTTATTCTATTAA-3'
Protein context (NP_653174.3, residues 656-675): AVNNKGSAAS[Thr666Ala]CILTIESKN

ClinVar aggregate classification (germline): Conflicting classifications of pathogenicity. Review status: criteria provided, conflicting classifications (1 of 4 stars). 11 submissions from 11 submitters: Uncertain significance (7); Likely benign (1). 3 of the submissions do not count toward it. Last evaluated 2026-01-20.

Conditions:
Cardiovascular phenotype. Identifiers: MedGen CN230736.
NEXN-related disorder. Also called: NEXN-related disorders; NEXN-related condition.
Hypertrophic cardiomyopathy 20. Identifiers: MedGen C3151267, MONDO:0013477, OMIM 613876.
Dilated cardiomyopathy 1CC (CMD1CC). Identifiers: Orphanet 154, MedGen C2751084, MONDO:0013147, OMIM 613122.
Cardiomyopathy (CMYO). Also called: Cardiomyopathies. Identifiers: Orphanet 167848, MedGen C0878544, MONDO:0004994, HP:0001638. Inheritance: Various modes of inheritance.
Primary familial hypertrophic cardiomyopathy (HCM). Identifiers: Orphanet 99739, MedGen C0949658, MeSH D024741, MONDO:0024573. Inheritance: Various modes of inheritance.

Allele frequency attached by ClinVar (database versions not stated): ExAC 0.00002; gnomAD exomes 0.00003 and 0.00007; gnomAD 0.00007; ESP Exome Variant Server 0.00008; TOPMed 0.00008.

Submissions (11):

Labcorp Genetics (formerly Invitae), Labcorp
Classification: Uncertain significance for Dilated cardiomyopathy 1CC; Hypertrophic cardiomyopathy 20. Last evaluated: 2026-01-20. Review status: criteria provided, single submitter. Criteria: Invitae Variant Classification Sherloc (09022015). Collection method: clinical testing. Allele origin: germline.
Comment: This sequence change replaces threonine, which is neutral and polar, with alanine, which is neutral and non-polar, at codon 666 of the NEXN protein (p.Thr666Ala). This variant is present in population databases (rs374000722, gnomAD 0.006%). This missense change has been observed in individual(s) with dilated cardiomyopathy (PMID: 27532257). ClinVar contains an entry for this variant (Variation ID: 47900). Invitae Evidence Modeling of protein sequence and biophysical properties (such as structural, functional, and spatial information, amino acid conservation, physicochemical variation, residue mobility, and thermodynamic stability) indicates that this missense variant is not expected to disrupt NEXN protein function with a negative predictive value of 80%. In summary, the available evidence is currently insufficient to determine the role of this variant in disease. Therefore, it has been classified as a Variant of Uncertain Significance.

Revvity Omics, Revvity
Classification: Uncertain significance. Last evaluated: 2025-04-16. Review status: criteria provided, single submitter. Criteria: ACMG Guidelines, 2015. Collection method: clinical testing. Allele origin: germline.

Blueprint Genetics
Classification: Likely benign. Last evaluated: 2024-08-22. Review status: criteria provided, single submitter. Criteria: ACMG Guidelines, 2015. Collection method: clinical testing. Allele origin: germline.

Fulgent Genetics
Classification: Uncertain significance for Dilated cardiomyopathy 1CC; Hypertrophic cardiomyopathy 20. Last evaluated: 2021-08-20. Review status: criteria provided, single submitter. Criteria: ACMG Guidelines, 2015. Collection method: clinical testing. Allele origin: unknown.

Ambry Genetics
Classification: Uncertain significance for Cardiovascular phenotype. Last evaluated: 2020-02-27. Review status: criteria provided, single submitter. Criteria: Ambry Variant Classification Scheme 2023. Collection method: clinical testing. Allele origin: germline.

CHEO Genetics Diagnostic Laboratory, Children's Hospital of Eastern Ontario
Classification: Uncertain significance for Cardiomyopathy. Last evaluated: 2019-02-01. Review status: criteria provided, single submitter. Criteria: ACMG Guidelines, 2015. Collection method: clinical testing. Allele origin: germline.

Laboratory for Molecular Medicine, Mass General Brigham Personalized Medicine
Classification: Uncertain significance. Last evaluated: 2012-07-07. Review status: criteria provided, single submitter. Criteria: LMM Criteria. Collection method: clinical testing. Allele origin: germline. Observed: 2 variant alleles.
Comment: Variant classified as Uncertain Significance - Favor Benign. The Thr666Ala varia nt in NEXN has been identified in 1/6546 European American chromosomes from a br oad population by the NHLBI Exome Sequencing Project (du/EVS/); this may represent a presymptomatic individual. Computational analyses (biochemical amino acid pr operties, conservation, AlignGVGD, PolyPhen2, and SIFT) do not provide strong su pport for or against an impact to the normal function of the protein. In summary , additional information is needed to fully assess the clinical significance of the Thr666Ala variant.

Molecular Diagnostic Laboratory for Inherited Cardiovascular Disease, Montreal Heart Institute
Classification: Uncertain significance for Primary familial hypertrophic cardiomyopathy. Review status: criteria provided, single submitter. Criteria: ACMG Guidelines, 2015. Collection method: clinical testing. Allele origin: germline. Affected: yes.

PreventionGenetics, part of Exact Sciences
Classification: Uncertain significance for NEXN-related condition. Last evaluated: 2024-07-11. Review status: no assertion criteria provided. Collection method: clinical testing. Allele origin: germline. Not counted in ClinVar's aggregate classification.
Comment: The NEXN c.1996A>G variant is predicted to result in the amino acid substitution p.Thr666Ala. This variant has been reported in individuals with dilated cardiomyopathy (Haas et al. 2015. PubMed ID: 25163546; Table S1B, Walsh et al. 2017. PubMed ID: 27532257). This variant is reported in 0.0055% of alleles in individuals of European (Non-Finnish) descent in gnomAD. At this time, the clinical significance of this variant is uncertain due to the absence of conclusive functional and genetic evidence.

Clinical Genetics, Academic Medical Center
Classification: Uncertain significance. Review status: no assertion criteria provided. Collection method: clinical testing. Allele origin: germline. Affected: yes. Study: VKGL Data-share Consensus. Not counted in ClinVar's aggregate classification.

Diagnostic Laboratory, Department of Genetics, University Medical Center Groningen
Classification: Uncertain significance. Review status: no assertion criteria provided. Collection method: clinical testing. Allele origin: germline. Affected: yes. Study: VKGL Data-share Consensus. Not counted in ClinVar's aggregate classification.

Literature cited by the submitters: PubMed 27532257 (cited by Labcorp Genetics (formerly Invitae), Labcorp).